The following is an entry in ClinVar:

NM_003803.4(MYOM1):c.907T>G (p.Trp303Gly)

Gene: MYOM1 (myomesin 1; minus strand). Cytogenetic location: 18p11.31.
Variant type: single nucleotide variant.
Coding change: c.907T>G on transcript NM_003803.4 (MANE Select); coding-DNA position 907, T replaced by G.
Protein change: p.Trp303Gly; replaces tryptophan 303 with glycine.
Molecular consequence: missense variant.
Genome position (GRCh38, 1-based): chr18:3,187,502, A>C on the plus strand (T>G on the coding strand, the complement: MYOM1 is on the minus strand). VCF-style: chr18-3187502-A-C. GRCh37 (hg19) VCF-style: chr18-3187500-A-C.
Other names: c.907T>G (NM_003803.3); c.907T>G, p.Trp303Gly (NM_019856.2); short protein forms W303G.
Identifiers: ClinVar variation 1002653 (VCV001002653.9), dbSNP rs775851893, ClinGen allele CA8875135.

ClinVar aggregate classification (germline): Uncertain significance. Review status: criteria provided, multiple submitters, no conflicts (2 of 4 stars). 2 submissions from 2 submitters: Uncertain significance (2). Last evaluated 2025-12-08.

Conditions:
Hypertrophic cardiomyopathy. Also called: HYPERTROPHIC MYOCARDIOPATHY. Identifiers: Orphanet 217569, MedGen C0007194, MeSH D002312, MONDO:0005045, HP:0001639.

Allele frequency attached by ClinVar (database versions not stated): gnomAD below 0.00001 and 0.00002; TOPMed below 0.00001; gnomAD exomes 0.00005; ExAC 0.00006.
gnomAD v4.1: 27 of 1,613,734 alleles (0.0017%); highest among the groups gnomAD compares: South Asian, 0.023%; 1 homozygote.

Submissions (2):

Labcorp Genetics (formerly Invitae), Labcorp
Classification: Uncertain significance for Hypertrophic cardiomyopathy. Last evaluated: 2025-12-08. Review status: criteria provided, single submitter. Criteria: Invitae Variant Classification Sherloc (09022015). Collection method: clinical testing. Allele origin: germline.
Comment: This sequence change replaces tryptophan, which is neutral and slightly polar, with glycine, which is neutral and non-polar, at codon 303 of the MYOM1 protein (p.Trp303Gly). This variant is present in population databases (rs775851893, gnomAD 0.04%). This variant has not been reported in the literature in individuals affected with MYOM1-related conditions. ClinVar contains an entry for this variant (Variation ID: 1002653). Invitae Evidence Modeling of protein sequence and biophysical properties (such as structural, functional, and spatial information, amino acid conservation, physicochemical variation, residue mobility, and thermodynamic stability) has been performed for this missense variant. However, the output from this modeling did not meet the statistical confidence thresholds required to predict the impact of this variant on MYOM1 protein function. In summary, the available evidence is currently insufficient to determine the role of this variant in disease. Therefore, it has been classified as a Variant of Uncertain Significance.

Ambry Genetics
Classification: Uncertain significance. Last evaluated: 2025-06-01. Review status: criteria provided, single submitter. Criteria: Ambry Variant Classification Scheme 2023. Collection method: clinical testing. Allele origin: germline.
Comment: The p.W303G variant (also known as c.907T>G), located in coding exon 4 of the MYOM1 gene, results from a T to G substitution at nucleotide position 907. The tryptophan at codon 303 is replaced by glycine, an amino acid with highly dissimilar properties. This amino acid position is conserved. In addition, this alteration is predicted to be deleterious by in silico analysis. Based on the available evidence, the clinical significance of this variant remains unclear.